The following is an entry in ClinVar:

ClinVar aggregate classification (germline): Uncertain significance. Review status: criteria provided, multiple submitters, no conflicts (2 of 4 stars). 2 submissions from 2 submitters: Uncertain significance (2). Last evaluated 2024-08-27.

Conditions:
Hereditary cancer-predisposing syndrome. Also called: Neoplastic Syndromes, Hereditary; Tumor predisposition; Hereditary neoplastic syndrome; Hereditary Cancer Syndrome. Identifiers: Orphanet 140162, MedGen C0027672, MeSH D009386, MONDO:0015356.
Tuberous sclerosis 1 (TSC1). Identifiers: Orphanet 805, MedGen C1854465, MONDO:0008612, OMIM 191100.

Submissions (2):

Labcorp Genetics (formerly Invitae), Labcorp
Classification: Uncertain significance for Tuberous sclerosis 1. Last evaluated: 2024-08-27. Review status: criteria provided, single submitter. Criteria: Invitae Variant Classification Sherloc (09022015). Collection method: clinical testing. Allele origin: germline.
Comment: This sequence change replaces serine, which is neutral and polar, with phenylalanine, which is neutral and non-polar, at codon 1071 of the TSC1 protein (p.Ser1071Phe). This variant is not present in population databases (gnomAD no frequency). This variant has not been reported in the literature in individuals affected with TSC1-related conditions. ClinVar contains an entry for this variant (Variation ID: 1483573). Invitae Evidence Modeling of protein sequence and biophysical properties (such as structural, functional, and spatial information, amino acid conservation, physicochemical variation, residue mobility, and thermodynamic stability) indicates that this missense variant is not expected to disrupt TSC1 protein function with a negative predictive value of 95%. In summary, the available evidence is currently insufficient to determine the role of this variant in disease. Therefore, it has been classified as a Variant of Uncertain Significance.

Ambry Genetics
Classification: Uncertain significance for Hereditary cancer-predisposing syndrome. Last evaluated: 2019-09-20. Review status: criteria provided, single submitter. Criteria: Ambry Variant Classification Scheme 2023. Collection method: clinical testing. Allele origin: germline.
Comment: The p.S1071F variant (also known as c.3212C>T), located in coding exon 21 of the TSC1 gene, results from a C to T substitution at nucleotide position 3212. The serine at codon 1071 is replaced by phenylalanine, an amino acid with highly dissimilar properties. This amino acid position is well conserved in available vertebrate species. In addition, this alteration is predicted to be tolerated by in silico analysis. Since supporting evidence is limited at this time, the clinical significance of this alteration remains unclear.

NM_000368.5(TSC1):c.3212C>T (p.Ser1071Phe)

Gene: TSC1 (TSC complex subunit 1; minus strand). Cytogenetic location: 9q34.13.
Variant type: single nucleotide variant.
Coding change: c.3212C>T on transcript NM_000368.5 (MANE Select); coding-DNA position 3212, C replaced by T.
Protein change: p.Ser1071Phe; replaces serine 1071 with phenylalanine.
Molecular consequence: missense variant.
Genome position (GRCh38, 1-based): chr9:132,896,518, G>A on the plus strand (C>T on the coding strand, the complement: TSC1 is on the minus strand). VCF-style: chr9-132896518-G-A. GRCh37 (hg19) VCF-style: chr9-135771905-G-A.
Other names: c.3209C>T, p.Ser1070Phe (NM_001162426.2); c.3059C>T, p.Ser1020Phe (NM_001162427.2); c.2849C>T, p.Ser950Phe (NM_001362177.2); short protein forms S950F, S1070F, S1020F, S1071F.
Identifiers: ClinVar variation 1483573 (VCV001483573.8), dbSNP rs2131601255, ClinGen allele CA375366998.
Genomic context (GRCh38, chr9:132,896,518, plus strand): 5'-TTCATACCCAGGAAGCTTTTTGAACTGGGAAGTGAGCCCACAGTGGTGGGGATGCTGGCA[G>A]ACGCTTCTCCCATAGTCGTCTCCCACCGACTGCTGAATGGGCCTGCCCTCTGGTGTGGGG-3'
Protein context (NP_000359.1, residues 1061-1081): SRWETTMGEA[Ser1071Phe]ASIPTTVGSL